The following is an entry in ClinVar:

NM_006946.4(SPTBN2):c.6896+11G>A

Gene: SPTBN2 (spectrin beta, non-erythrocytic 2; minus strand). Cytogenetic location: 11q13.2.
Variant type: single nucleotide variant.
Coding change: c.6896+11G>A on transcript NM_006946.4 (MANE Select); 11 bases into the intron after coding-DNA position 6896, G replaced by A.
Molecular consequence: intron variant.
Genome position (GRCh38, 1-based): chr11:66,686,983, C>T on the plus strand (G>A on the coding strand, the complement: SPTBN2 is on the minus strand). VCF-style: chr11-66686983-C-T. GRCh37 (hg19) VCF-style: chr11-66454454-C-T.
Identifiers: ClinVar variation 305525 (VCV000305525.12), dbSNP rs141969559, ClinGen allele CA6127767.
Genomic context (GRCh38, chr11:66,686,983, plus strand): 5'-CCTGACTCATGGCTCACCTGTGTCACTCCCAACTCTCCTCCCATCCCGAGAGCACTGTTC[C>T]CTGTTCCTACCCCAGCTTGAAGACATGTTTGCGCTTTCGGTAATCAAAGGCGACGCTGCC-3'

ClinVar aggregate classification (germline): Benign/Likely benign. Review status: criteria provided, multiple submitters, no conflicts (2 of 4 stars). 3 submissions from 2 submitters: Benign (2); Likely benign (1). Last evaluated 2025-10-24.

Conditions:
Autosomal recessive spinocerebellar ataxia 14. Also called: CEREBELLAR ATAXIA, AUTOSOMAL RECESSIVE, SPECTRIN-ASSOCIATED, 1. Identifiers: Orphanet 352403, MedGen C4706415, MONDO:0014159, OMIM 615386.
Spinocerebellar ataxia type 5 (SCA5). Identifiers: Orphanet 98766, MedGen C0752123, MONDO:0010848, OMIM 600224.

Allele frequency attached by ClinVar (database versions not stated): gnomAD exomes 0.00019 and 0.00052; ExAC 0.00066; gnomAD 0.00192 and 0.00203; ESP Exome Variant Server 0.00216; TOPMed 0.00234; 1000 Genomes Project 0.00260; 1000 Genomes Project 30x 0.00312.

Submissions (3):

Labcorp Genetics (formerly Invitae), Labcorp
Classification: Benign. Last evaluated: 2025-10-24. Review status: criteria provided, single submitter. Criteria: Invitae Variant Classification Sherloc (09022015). Collection method: clinical testing. Allele origin: germline.

Illumina Laboratory Services, Illumina
Classification: Benign for Spinocerebellar ataxia type 5. Last evaluated: 2018-01-13. Review status: criteria provided, single submitter. Criteria: ICSL Variant Classification Criteria 13 December 2019. Collection method: clinical testing. Allele origin: germline.
Comment: This variant was observed in the ICSL laboratory as part of a predisposition screen in an ostensibly healthy population. It had not been previously curated by ICSL or reported in the Human Gene Mutation Database (HGMD: prior to June 1st, 2018), and was therefore a candidate for classification through an automated scoring system. Utilizing variant allele frequency, disease prevalence and penetrance estimates, and inheritance mode, an automated score was calculated to assess if this variant is too frequent to cause the disease. Based on the score and internal cut-off values, a variant classified as benign is not then subjected to further curation. The score for this variant resulted in a classification of benign for this disease.

Illumina Laboratory Services, Illumina
Classification: Likely benign for Autosomal recessive spinocerebellar ataxia 14. Last evaluated: 2018-01-13. Review status: criteria provided, single submitter. Criteria: ICSL Variant Classification Criteria 13 December 2019. Collection method: clinical testing. Allele origin: germline.
Comment: This variant was observed in the ICSL laboratory as part of a predisposition screen in an ostensibly healthy population. It had not been previously curated by ICSL or reported in the Human Gene Mutation Database (HGMD: prior to June 1st, 2018), and was therefore a candidate for classification through an automated scoring system. Utilizing variant allele frequency, disease prevalence and penetrance estimates, and inheritance mode, an automated score was calculated to assess if this variant is too frequent to cause the disease. Based on the score and internal cut-off values, a variant classified as likely benign is not then subjected to further curation. The score for this variant resulted in a classification of likely benign for this disease.